The following is an entry in ClinVar:

NM_015346.4(ZFYVE26):c.837T>G (p.Tyr279Ter)

Gene: ZFYVE26 (zinc finger FYVE-type containing 26; minus strand). Cytogenetic location: 14q24.1.
Variant type: single nucleotide variant.
Coding change: c.837T>G on transcript NM_015346.4 (MANE Select); coding-DNA position 837, T replaced by G.
Protein change: p.Tyr279Ter; replaces tyrosine 279 with a stop codon.
Molecular consequence: nonsense.
Genome position (GRCh38, 1-based): chr14:67,807,447, A>C on the plus strand (T>G on the coding strand, the complement: ZFYVE26 is on the minus strand). VCF-style: chr14-67807447-A-C. GRCh37 (hg19) VCF-style: chr14-68274164-A-C.
Other names: short protein forms Y279*.
Identifiers: ClinVar variation 652756 (VCV000652756.7), dbSNP rs1594938339, ClinGen allele CA390160709.

ClinVar aggregate classification (germline): Pathogenic (1 of 4 stars; one submission).

Conditions:
Spastic paraplegia. Identifiers: MedGen C0037772, HP:0001258.

Allele frequency attached by ClinVar (database versions not stated): TOPMed below 0.00001; gnomAD exomes 0.00001.
gnomAD v4.1: 10 of 1,614,154 alleles (0.00062%); highest among the groups gnomAD compares: Non-Finnish European, 0.00085%; no homozygotes.

Submission:

Labcorp Genetics (formerly Invitae), Labcorp
Classification: Pathogenic for Spastic paraplegia. Last evaluated: 2024-01-30. Review status: criteria provided, single submitter. Criteria: Invitae Variant Classification Sherloc (09022015). Collection method: clinical testing. Allele origin: germline.
Comment: This sequence change creates a premature translational stop signal (p.Tyr279*) in the ZFYVE26 gene. It is expected to result in an absent or disrupted protein product. Loss-of-function variants in ZFYVE26 are known to be pathogenic (PMID: 18394578, 19805727). This variant is not present in population databases (gnomAD no frequency). This variant has not been reported in the literature in individuals affected with ZFYVE26-related conditions. ClinVar contains an entry for this variant (Variation ID: 652756). For these reasons, this variant has been classified as Pathogenic.

Literature cited by the submitters: PubMed 18394578; PubMed 19805727.